The following is an entry in ClinVar:

NM_000455.5(STK11):c.1225C>G (p.Arg409Gly)

Gene: STK11 (serine/threonine kinase 11; plus strand). Cytogenetic location: 19p13.3.
Variant type: single nucleotide variant.
Coding change: c.1225C>G on transcript NM_000455.5 (MANE Select); coding-DNA position 1225, C replaced by G.
Protein change: p.Arg409Gly; replaces arginine 409 with glycine.
Molecular consequence: missense variant.
Genome position (GRCh38, 1-based): chr19:1,226,570, C>G. VCF-style: chr19-1226570-C-G. GRCh37 (hg19) VCF-style: chr19-1226569-C-G.
Other names: p.R409G:CGG>GGG; short protein forms R409G.
Identifiers: ClinVar variation 142713 (VCV000142713.32), dbSNP rs368466538, ClinGen allele CA022487.

ClinVar aggregate classification (germline): Conflicting classifications of pathogenicity. Review status: criteria provided, conflicting classifications (1 of 4 stars). 9 submissions from 9 submitters: Uncertain significance (7); Benign (1). 1 of the submissions does not count toward it. Last evaluated 2026-01-28.

Conditions:
Hereditary cancer-predisposing syndrome. Also called: Neoplastic Syndromes, Hereditary; Hereditary Cancer Syndrome; Hereditary neoplastic syndrome; Tumor predisposition. Identifiers: Orphanet 140162, MedGen C0027672, MeSH D009386, MONDO:0015356.
Peutz-Jeghers syndrome (PJS). Also called: Peutz-Jeghers polyposis; Periorificial lentiginosis syndrome; POLYPOSIS, HAMARTOMATOUS INTESTINAL; POLYPS-AND-SPOTS SYNDROME. Identifiers: Orphanet 2869, MedGen C0031269, MeSH D010580, MONDO:0008280, OMIM 175200.

Allele frequency attached by ClinVar (database versions not stated): TOPMed 0.00001.
gnomAD v4.1: 12 of 1,588,088 alleles (0.00076%); highest among the groups gnomAD compares: South Asian, 0.0011%; no homozygotes.

Submissions (9):

Labcorp Genetics (formerly Invitae), Labcorp
Classification: Benign for Peutz-Jeghers syndrome. Last evaluated: 2026-01-28. Review status: criteria provided, single submitter. Criteria: Invitae Variant Classification Sherloc (09022015). Collection method: clinical testing. Allele origin: germline.

Ambry Genetics
Classification: Uncertain significance for Hereditary cancer-predisposing syndrome. Last evaluated: 2025-10-18. Review status: criteria provided, single submitter. Criteria: Ambry Variant Classification Scheme 2023. Collection method: clinical testing. Allele origin: germline.

All of Us Research Program, National Institutes of Health
Classification: Uncertain significance for Peutz-Jeghers syndrome. Last evaluated: 2024-04-16. Review status: criteria provided, single submitter. Criteria: ACMG Guidelines, 2015. Collection method: clinical testing. Allele origin: germline. Inheritance: Autosomal dominant inheritance. Observed: 5 variant alleles, 5 heterozygotes.
Comment: This missense variant replaces arginine with glycine at codon 409 of the STK11 protein. Computational prediction suggests that this variant may not impact protein structure and function (internally defined REVEL score threshold <= 0.5, PMID: 27666373). Splice site prediction tools suggest that this variant may not impact RNA splicing. To our knowledge, functional studies have not been performed for this variant. This variant has not been reported in individuals affected with hereditary cancer in the literature. This variant has been identified in 2/194938 chromosomes in the general population by the Genome Aggregation Database (gnomAD). The available evidence is insufficient to determine the role of this variant in disease conclusively. Therefore, this variant is classified as a Variant of Uncertain Significance.

This study involves interpretation of variants in research participants for the purpose of population health screening. Participant phenotype was not available at the time of variant classification. Additional details can be found in publication PMID: 35346344, PMCID: PMC8962531

Color Diagnostics, LLC DBA Color Health
Classification: Uncertain significance for Hereditary cancer-predisposing syndrome. Last evaluated: 2024-03-28. Review status: criteria provided, single submitter. Criteria: ACMG Guidelines, 2015. Collection method: clinical testing. Allele origin: germline.
Comment: This missense variant replaces arginine with glycine at codon 409 of the STK11 protein. Computational prediction suggests that this variant may not impact protein structure and function). To our knowledge, functional studies have not been reported for this variant. This variant has not been reported in individuals affected with STK11-related disorders in the literature. This variant has been identified in 2/194938 chromosomes in the general population by the Genome Aggregation Database (gnomAD). The available evidence is insufficient to determine the role of this variant in disease conclusively. Therefore, this variant is classified as a Variant of Uncertain Significance.

GeneDx
Classification: Uncertain significance. Last evaluated: 2023-09-13. Review status: criteria provided, single submitter. Criteria: GeneDx Variant Classification Process June 2021. Collection method: clinical testing. Allele origin: germline. Affected: yes.
Comment: Not observed at significant frequency in large population cohorts (gnomAD); In silico analysis supports that this missense variant does not alter protein structure/function; Has not been previously published as pathogenic or benign to our knowledge; This variant is associated with the following publications: (PMID: 28900777)

Myriad Genetics, Inc.
Classification: Uncertain significance for Peutz-Jeghers syndrome. Last evaluated: 2023-04-14. Review status: criteria provided, single submitter. Criteria: Myriad Autosomal Dominant, Autosomal Recessive and X-Linked Classification Criteria (2023). Collection method: clinical testing. Allele origin: unknown.
Comment: This variant is classified as a variant of uncertain significance as there is insufficient evidence to determine its impact on protein function and/or cancer risk.

Sema4
Classification: Uncertain significance for Hereditary cancer-predisposing syndrome. Last evaluated: 2021-07-29. Review status: criteria provided, single submitter. Criteria: Sema4 Curation Guidelines. Collection method: curation. Allele origin: germline.
Comment: The STK11 c.1225C>G (p.R409G) variant has not been reported in the literature to our knowledge. It was observed in 1/25756 chromosomes of the South Asian subpopulation in the large and broad cohorts of the Genome Aggregation Database (PMID: 32461654). The variant has been reported in ClinVar (Variation ID 142713). Functional studies have not been performed, and in silico predictions of the variant's effect on protein function are inconclusive. The evidence is insufficient to meet ACMG/AMP criteria for classifying the variant as benign or pathogenic. Thus, the clinical significance of this variant is currently uncertain.

Genome-Nilou Lab
Classification: Uncertain significance for Peutz-Jeghers syndrome. Last evaluated: 2021-07-15. Review status: criteria provided, single submitter. Criteria: ACMG Guidelines, 2015. Collection method: clinical testing. Allele origin: germline. Affected: no.

Counsyl
Classification: Uncertain significance for Peutz-Jeghers syndrome. Last evaluated: 2016-09-12. Review status: no assertion criteria provided. Collection method: clinical testing. Allele origin: unknown. Not counted in ClinVar's aggregate classification.